The following is an entry in ClinVar:

NM_004836.7(EIF2AK3):c.131C>T (p.Ala44Val)

Gene: EIF2AK3 (eukaryotic translation initiation factor 2 alpha kinase 3; minus strand). Cytogenetic location: 2p11.2.
Variant type: single nucleotide variant.
Coding change: c.131C>T on transcript NM_004836.7 (MANE Select); coding-DNA position 131, C replaced by T.
Protein change: p.Ala44Val; replaces alanine 44 with valine.
Molecular consequence: missense variant.
Genome position (GRCh38, 1-based): chr2:88,627,144, G>A on the plus strand (C>T on the coding strand, the complement: EIF2AK3 is on the minus strand). VCF-style: chr2-88627144-G-A. GRCh37 (hg19) VCF-style: chr2-88926662-G-A.
Other names: short protein forms A44V.
Identifiers: ClinVar variation 1935587 (VCV001935587.3), dbSNP rs1187474096, ClinGen allele CA347763416.

ClinVar aggregate classification (germline): Uncertain significance (1 of 4 stars; one submission).

Allele frequency attached by ClinVar (database versions not stated): gnomAD exomes below 0.00001.
gnomAD v4.1: 2 of 1,435,802 alleles (0.00014%); highest among the groups gnomAD compares: East Asian, 0.003%; no homozygotes.

Submission:

Labcorp Genetics (formerly Invitae), Labcorp
Classification: Uncertain significance. Last evaluated: 2024-10-22. Review status: criteria provided, single submitter. Criteria: Invitae Variant Classification Sherloc (09022015). Collection method: clinical testing. Allele origin: germline.
Comment: This sequence change replaces alanine, which is neutral and non-polar, with valine, which is neutral and non-polar, at codon 44 of the EIF2AK3 protein (p.Ala44Val). This variant is not present in population databases (gnomAD no frequency). This variant has not been reported in the literature in individuals affected with EIF2AK3-related conditions. ClinVar contains an entry for this variant (Variation ID: 1935587). An algorithm developed to predict the effect of missense changes on protein structure and function outputs the following: PolyPhen-2: "Not Available". The valine amino acid residue is found in multiple mammalian species, which suggests that this missense change does not adversely affect protein function. In summary, the available evidence is currently insufficient to determine the role of this variant in disease. Therefore, it has been classified as a Variant of Uncertain Significance.